The following is an entry in ClinVar:

ClinVar aggregate classification (germline): Uncertain significance (1 of 4 stars; one submission).

Conditions:
Nemaline myopathy 2 (NEM2). Also called: Nemaline myopathy 2, autosomal recessive. Identifiers: MedGen C1850569, MONDO:0009725, OMIM 256030.

gnomAD v4.1: 3 of 1,594,336 alleles (0.00019%); highest among the groups gnomAD compares: Non-Finnish European, 0.00017%; no homozygotes.

Submission:

Labcorp Genetics (formerly Invitae), Labcorp
Classification: Uncertain significance for Nemaline myopathy 2. Last evaluated: 2022-04-07. Review status: criteria provided, single submitter. Criteria: Invitae Variant Classification Sherloc (09022015). Collection method: clinical testing. Allele origin: germline.
Comment: This sequence change replaces threonine, which is neutral and polar, with asparagine, which is neutral and polar, at codon 747 of the NEB protein (p.Thr747Asn). The frequency data for this variant in the population databases is considered unreliable, as metrics indicate poor data quality at this position in the gnomAD database. This variant has not been reported in the literature in individuals affected with NEB-related conditions. Algorithms developed to predict the effect of missense changes on protein structure and function are either unavailable or do not agree on the potential impact of this missense change (SIFT: "Deleterious"; PolyPhen-2: "Not Available"; Align-GVGD: "Class C0"). In summary, the available evidence is currently insufficient to determine the role of this variant in disease. Therefore, it has been classified as a Variant of Uncertain Significance.

NM_001164508.2(NEB):c.2240C>A (p.Thr747Asn)

Gene: NEB (nebulin; minus strand). Cytogenetic location: 2q23.3.
Variant type: single nucleotide variant.
Coding change: c.2240C>A on transcript NM_001164508.2 (MANE Select); coding-DNA position 2240, C replaced by A.
Protein change: p.Thr747Asn; replaces threonine 747 with asparagine.
Molecular consequence: missense variant.
Genome position (GRCh38, 1-based): chr2:151,690,797, G>T on the plus strand (C>A on the coding strand, the complement: NEB is on the minus strand). VCF-style: chr2-151690797-G-T. GRCh37 (hg19) VCF-style: chr2-152547311-G-T.
Other names: c.2240C>A, p.Thr747Asn (NM_001164507.2, NM_001271208.2, NM_004543.5); short protein forms T747N.
Identifiers: ClinVar variation 1925294 (VCV001925294.2), dbSNP rs1179881542, ClinGen allele CA348823447.